The following is an entry in ClinVar:

NM_003072.5(SMARCA4):c.2011G>A (p.Glu671Lys)

Gene: SMARCA4 (SWI/SNF related BAF chromatin remodeling complex subunit ATPase 4; plus strand). Cytogenetic location: 19p13.2.
Variant type: single nucleotide variant.
Coding change: c.2011G>A on transcript NM_003072.5 (MANE Select); coding-DNA position 2011, G replaced by A.
Protein change: p.Glu671Lys; replaces glutamic acid 671 with lysine.
Molecular consequence: missense variant. On other transcripts: non-coding transcript variant (1).
Genome position (GRCh38, 1-based): chr19:11,007,911, G>A. VCF-style: chr19-11007911-G-A. GRCh37 (hg19) VCF-style: chr19-11118587-G-A.
Other names: c.2011G>A, p.Glu671Lys (NM_001128844.3, NM_001128845.2, NM_001128846.2 and 6 more transcripts); short protein forms E671K.
Identifiers: ClinVar variation 3630291 (VCV003630291.2).

ClinVar aggregate classification (germline): Uncertain significance (1 of 4 stars; one submission).

Conditions:
Rhabdoid tumor predisposition syndrome 2 (RTPS2). Identifiers: Orphanet 231108, Orphanet 69077, MedGen C2750074, MONDO:0013224, OMIM 613325.

gnomAD v4.1: 7 of 1,613,644 alleles (0.00043%); highest among the groups gnomAD compares: Non-Finnish European, 0.00059%; no homozygotes.

Submission:

Labcorp Genetics (formerly Invitae), Labcorp
Classification: Uncertain significance for Rhabdoid tumor predisposition syndrome 2. Last evaluated: 2024-06-19. Review status: criteria provided, single submitter. Criteria: Invitae Variant Classification Sherloc (09022015). Collection method: clinical testing. Allele origin: germline.
Comment: This sequence change replaces glutamic acid, which is acidic and polar, with lysine, which is basic and polar, at codon 671 of the SMARCA4 protein (p.Glu671Lys). This variant is not present in population databases (gnomAD no frequency). This variant has not been reported in the literature in individuals affected with SMARCA4-related conditions. Advanced modeling of protein sequence and biophysical properties (such as structural, functional, and spatial information, amino acid conservation, physicochemical variation, residue mobility, and thermodynamic stability) performed at Invitae indicates that this missense variant is not expected to disrupt SMARCA4 protein function with a negative predictive value of 95%. In summary, the available evidence is currently insufficient to determine the role of this variant in disease. Therefore, it has been classified as a Variant of Uncertain Significance.